The following is an entry in ClinVar:

ClinVar aggregate classification (germline): Benign/Likely benign. Review status: criteria provided, multiple submitters, no conflicts (2 of 4 stars). 2 submissions from 2 submitters: Benign (1); Likely benign (1). Last evaluated 2025-08-02.

Conditions:
Thrombophilia due to protein S deficiency, autosomal recessive (THPH6). Identifiers: Orphanet 743, MedGen C3281092, MONDO:0013791, OMIM 614514. Disease mechanism: loss of function.

Allele frequency attached by ClinVar (database versions not stated): gnomAD below 0.00001 and 0.00016; TOPMed 0.00004; gnomAD exomes 0.00035 and 0.00068; ExAC 0.00080; 1000 Genomes Project 30x 0.00094; 1000 Genomes Project 0.00100.
gnomAD v4.1: 533 of 1,612,916 alleles (0.033%); highest among the groups gnomAD compares: South Asian, 0.56%; 4 homozygotes.

Submissions (2):

Labcorp Genetics (formerly Invitae), Labcorp
Classification: Benign for Thrombophilia due to protein S deficiency, autosomal recessive. Last evaluated: 2025-08-02. Review status: criteria provided, single submitter. Criteria: Invitae Variant Classification Sherloc (09022015). Collection method: clinical testing. Allele origin: germline.

CeGaT Center for Human Genetics Tuebingen
Classification: Likely benign. Last evaluated: 2024-12-01. Review status: criteria provided, single submitter. Criteria: CeGaT Center For Human Genetics Tuebingen Variant Classification Criteria Version 2. Collection method: clinical testing. Allele origin: germline. Affected: yes. Observed: 1 variant allele.
Comment: PROS1: BP4, BP7

NM_000313.4(PROS1):c.1713A>G (p.Gln571=)

Gene: PROS1 (protein S; minus strand). Cytogenetic location: 3q11.1.
Variant type: single nucleotide variant.
Coding change: c.1713A>G on transcript NM_000313.4 (MANE Select); coding-DNA position 1713, A replaced by G.
Protein change: p.Gln571=; no amino-acid change (glutamine 571 retained).
Molecular consequence: synonymous variant.
Genome position (GRCh38, 1-based): chr3:93,877,123, T>C on the plus strand (A>G on the coding strand, the complement: PROS1 is on the minus strand). VCF-style: chr3-93877123-T-C. GRCh37 (hg19) VCF-style: chr3-93595967-T-C.
Other names: c.1809A>G, p.Gln603= (NM_001314077.2).
Identifiers: ClinVar variation 472997 (VCV000472997.23), dbSNP rs571916140, ClinGen allele CA2503115.